The following is an entry in ClinVar:

ClinVar aggregate classification (germline): Uncertain significance. Review status: criteria provided, multiple submitters, no conflicts (2 of 4 stars). 2 submissions from 2 submitters: Uncertain significance (2). Last evaluated 2024-06-13.

Conditions:
Inborn genetic diseases. Identifiers: MedGen C0950123, MeSH D030342.

Submissions (2):

Ambry Genetics
Classification: Uncertain significance for Inborn genetic diseases. Last evaluated: 2024-06-13. Review status: criteria provided, single submitter. Criteria: Ambry Variant Classification Scheme 2023. Collection method: clinical testing. Allele origin: germline.

Labcorp Genetics (formerly Invitae), Labcorp
Classification: Uncertain significance. Last evaluated: 2023-12-12. Review status: criteria provided, single submitter. Criteria: Invitae Variant Classification Sherloc (09022015). Collection method: clinical testing. Allele origin: germline.
Comment: This sequence change replaces threonine, which is neutral and polar, with lysine, which is basic and polar, at codon 335 of the LRP5 protein (p.Thr335Lys). The frequency data for this variant in the population databases is considered unreliable, as metrics indicate poor data quality at this position in the gnomAD database. This variant has not been reported in the literature in individuals affected with LRP5-related conditions. ClinVar contains an entry for this variant (Variation ID: 1917181). Advanced modeling of protein sequence and biophysical properties (such as structural, functional, and spatial information, amino acid conservation, physicochemical variation, residue mobility, and thermodynamic stability) has been performed at Invitae for this missense variant, however the output from this modeling did not meet the statistical confidence thresholds required to predict the impact of this variant on LRP5 protein function. In summary, the available evidence is currently insufficient to determine the role of this variant in disease. Therefore, it has been classified as a Variant of Uncertain Significance.

NM_002335.4(LRP5):c.1004C>A (p.Thr335Lys)

Gene: LRP5 (LDL receptor related protein 5; plus strand). Cytogenetic location: 11q13.2.
Variant type: single nucleotide variant.
Coding change: c.1004C>A on transcript NM_002335.4 (MANE Select); coding-DNA position 1004, C replaced by A.
Protein change: p.Thr335Lys; replaces threonine 335 with lysine.
Molecular consequence: missense variant. On other transcripts: 5 prime UTR variant (1).
Genome position (GRCh38, 1-based): chr11:68,365,691, C>A. VCF-style: chr11-68365691-C-A. GRCh37 (hg19) VCF-style: chr11-68133159-C-A.
Other names: c.1004C>A (NM_002335.2); c.-762C>A (NM_001291902.2); short protein forms T335K.
Identifiers: ClinVar variation 1917181 (VCV001917181.6), dbSNP rs751485385, ClinGen allele CA224240691.